The following is an entry in ClinVar:

NM_080425.4(GNAS):c.1306_1307insA (p.Ala436fs)

Gene: GNAS (GNAS complex locus; plus strand). Cytogenetic location: 20q13.32.
Variant type: Insertion.
Coding change: c.1306_1307insA on transcript NM_080425.4 (MANE Plus Clinical); coding-DNA positions 1306 to 1307, A inserted.
Protein change: p.Ala436fs; shifts the reading frame from alanine 436.
Molecular consequence: frameshift variant. On other transcripts: intron variant (3).
Genome position: GRCh38 VCF-style: chr20-58854571-G-GA. GRCh37 (hg19) VCF-style: chr20-57429626-G-GA.
Other names: c.43+13685_43+13686insA (NM_001410912.1); c.-39+12696_-39+12697insA (NM_001309861.2); c.1119_1120insA, p.Pro374fs (NM_001077490.3, NM_001309883.1); c.1306_1307insA, p.Ala436fs (NM_001410913.1); c.*42+13685_*42+13686insA (NM_016592.5); short protein forms P374fs, A436fs.
Identifiers: ClinVar variation 4980946 (VCV004980946.1).
Genomic context (GRCh38, chr20:58,854,571, plus strand): 5'-GCACCAGCCGATCCTGACTCCGGGGCATTCGCAGCCGATCCCGACTCCGGGGCAGCCCCT[G>GA]CCGCCCCAGCCGATCCCGACTCCGGGGCGGCCCCTGACGCCCCAGCCGATCCCGACTCCG-3'

ClinVar aggregate classification (germline): Likely benign (1 of 4 stars; one submission).

Conditions:
GNAS-related disorder. Identifiers: MedGen CN380105.

Submission:

PreventionGenetics, part of Exact Sciences
Classification: Likely benign for GNAS-related condition. Last evaluated: 2024-12-19. Review status: criteria provided, single submitter. Criteria: ACMG Guidelines, 2015. Collection method: clinical testing. Allele origin: germline.
Comment: This variant is classified as likely benign based on ACMG/AMP sequence variant interpretation guidelines (Richards et al. 2015 PMID: 25741868, with internal and published modifications).